The following is an entry in ClinVar:

ClinVar aggregate classification (germline): Likely benign. Review status: criteria provided, multiple submitters, no conflicts (2 of 4 stars). 3 submissions from 3 submitters: Likely benign (2). 1 of the submissions does not count toward it. Last evaluated 2020-02-24.

Conditions:
CHAT-related disorder. Also called: CHAT-related condition.

Allele frequency attached by ClinVar (database versions not stated): ESP Exome Variant Server 0.00883; 1000 Genomes Project 30x 0.00609; TOPMed 0.00686; 1000 Genomes Project 0.00539.
gnomAD v4.1: 17,802 of 1,613,784 alleles (1.1%); highest among the groups gnomAD compares: Middle Eastern, 2.1%; 137 homozygotes.

Submissions (3):

GeneDx
Classification: Likely benign. Last evaluated: 2020-02-24. Review status: criteria provided, single submitter. Criteria: GeneDx Variant Classification Process June 2021. Collection method: clinical testing. Allele origin: germline. Affected: yes.

Breakthrough Genomics
Classification: Likely benign. Review status: criteria provided, single submitter. Criteria: ACMG Guidelines, 2015. Collection method: not provided. Allele origin: germline. Inheritance: Autosomal recessive inheritance. Affected: yes.

PreventionGenetics, part of Exact Sciences
Classification: Benign for CHAT-related condition. Last evaluated: 2019-07-03. Review status: no assertion criteria provided. Collection method: clinical testing. Allele origin: germline. Not counted in ClinVar's aggregate classification.
Comment: This variant is classified as benign based on ACMG/AMP sequence variant interpretation guidelines (Richards et al. 2015 PMID: 25741868, with internal and published modifications).

NM_020549.5(CHAT):c.287-442C>T

Gene: CHAT (choline O-acetyltransferase; plus strand). Cytogenetic location: 10q11.23.
Variant type: single nucleotide variant.
Coding change: c.287-442C>T on transcript NM_020549.5 (MANE Select); 442 bases into the intron before coding-DNA position 287, C replaced by T.
Molecular consequence: intron variant. On other transcripts: missense variant (1), 5 prime UTR variant (1).
Genome position (GRCh38, 1-based): chr10:49,616,060, C>T. VCF-style: chr10-49616060-C-T. GRCh37 (hg19) VCF-style: chr10-50824106-C-T.
Other names: c.8C>T, p.Pro3Leu (NM_001142933.2); c.-101C>T (NM_001142934.2); c.-68-442C>T (NM_020984.4, NM_020985.4, NM_020986.4 and 1 more transcripts); c.8C>T (NM_001142933.1); short protein forms P3L.
Identifiers: ClinVar variation 1190222 (VCV001190222.5), dbSNP rs41306415, ClinGen allele CA5497060.